The following is an entry in ClinVar:

ClinVar aggregate classification (germline): Uncertain significance (0 of 4 stars; one submission).

Conditions:
MAP3K1-related disorder. Also called: MAP3K1-related condition.

Submission:

PreventionGenetics, part of Exact Sciences
Classification: Uncertain significance for MAP3K1-related condition. Last evaluated: 2024-06-28. Review status: no assertion criteria provided. Collection method: clinical testing. Allele origin: germline.
Comment: The MAP3K1 c.1808C>T variant is predicted to result in the amino acid substitution p.Thr603Ile. To our knowledge, this variant has not been reported in the literature or in a large population database, indicating this variant is rare. At this time, the clinical significance of this variant is uncertain due to the absence of conclusive functional and genetic evidence.

NM_005921.2(MAP3K1):c.1808C>T (p.Thr603Ile)

Gene: MAP3K1 (mitogen-activated protein kinase kinase kinase 1; plus strand). Cytogenetic location: 5q11.2.
Variant type: single nucleotide variant.
Coding change: c.1808C>T on transcript NM_005921.2 (MANE Select); coding-DNA position 1808, C replaced by T.
Protein change: p.Thr603Ile; replaces threonine 603 with isoleucine.
Molecular consequence: missense variant.
Genome position (GRCh38, 1-based): chr5:56,875,153, C>T. VCF-style: chr5-56875153-C-T. GRCh37 (hg19) VCF-style: chr5-56170980-C-T.
Other names: short protein forms T603I.
Identifiers: ClinVar variation 3346171 (VCV003346171.1).